The following is an entry in ClinVar:

ClinVar aggregate classification (germline): Uncertain significance. Review status: criteria provided, multiple submitters, no conflicts (2 of 4 stars). 2 submissions from 2 submitters: Uncertain significance (2). Last evaluated 2022-07-28.

Conditions:
Sphingolipid activator protein 1 deficiency. Also called: Saposin B Deficiency; Metachromatic leukodystrophy due to saposin B deficiency; METACHROMATIC LEUKODYSTROPHY DUE TO CEREBROSIDE SULFATASE ACTIVATOR DEFICIENCY. Identifiers: Orphanet 512, MedGen C0268262, MONDO:0009590, OMIM 249900.

Allele frequency attached by ClinVar (database versions not stated): TOPMed 0.00001.
gnomAD v4.1: 7 of 1,614,016 alleles (0.00043%); highest among the groups gnomAD compares: Admixed American, 0.0033%; no homozygotes.

Submissions (2):

Blueprint Genetics
Classification: Uncertain significance. Last evaluated: 2022-07-28. Review status: criteria provided, single submitter. Criteria: ACMG Guidelines, 2015. Collection method: clinical testing. Allele origin: germline.

Labcorp Genetics (formerly Invitae), Labcorp
Classification: Uncertain significance for Sphingolipid activator protein 1 deficiency. Last evaluated: 2022-04-04. Review status: criteria provided, single submitter. Criteria: Invitae Variant Classification Sherloc (09022015). Collection method: clinical testing. Allele origin: germline.
Comment: This sequence change replaces glycine, which is neutral and non-polar, with serine, which is neutral and polar, at codon 365 of the PSAP protein (p.Gly365Ser). This variant is present in population databases (no rsID available, gnomAD 0.006%). This variant has not been reported in the literature in individuals affected with PSAP-related conditions. Algorithms developed to predict the effect of missense changes on protein structure and function are either unavailable or do not agree on the potential impact of this missense change (SIFT: "Not Available"; PolyPhen-2: "Possibly Damaging"; Align-GVGD: "Not Available"). In summary, the available evidence is currently insufficient to determine the role of this variant in disease. Therefore, it has been classified as a Variant of Uncertain Significance.

NM_002778.4(PSAP):c.1093G>A (p.Gly365Ser)

Gene: PSAP (prosaposin; minus strand). Cytogenetic location: 10q22.1.
Variant type: single nucleotide variant.
Coding change: c.1093G>A on transcript NM_002778.4 (MANE Select); coding-DNA position 1093, G replaced by A.
Protein change: p.Gly365Ser; replaces glycine 365 with serine.
Molecular consequence: missense variant.
Genome position (GRCh38, 1-based): chr10:71,819,813, C>T on the plus strand (G>A on the coding strand, the complement: PSAP is on the minus strand). VCF-style: chr10-71819813-C-T. GRCh37 (hg19) VCF-style: chr10-73579570-C-T.
Other names: c.1102G>A, p.Gly368Ser (NM_001042465.3); c.1099G>A, p.Gly367Ser (NM_001042466.3); short protein forms G368S, G367S, G365S.
Identifiers: ClinVar variation 2163542 (VCV002163542.2), dbSNP rs747170456, ClinGen allele CA377144452.
Genomic context (GRCh38, chr10:71,819,813, plus strand): 5'-GCATGCTGCACACCAGCTCAGGGCTGACCTCCTCCAGCAGGATGGACAGGATGGAGCTGC[C>T]GTACGTGTCCACCACCTCCTGGCACTCTTCCGACAGGGACTTCGGCAGCTTCGAGCACAT-3'
Protein context (NP_002769.1, residues 355-375): EECQEVVDTY[Gly365Ser]SSILSILLEE